The following is an entry in ClinVar:

ClinVar aggregate classification (germline): Uncertain significance. Review status: criteria provided, multiple submitters, no conflicts (2 of 4 stars). 5 submissions from 5 submitters: Uncertain significance (5). Last evaluated 2026-01-14.

Conditions:
Inborn genetic diseases. Identifiers: MedGen C0950123, MeSH D030342.
Beckwith-Wiedemann syndrome (BWS). Also called: EMG SYNDROME; Exomphalos macroglossia gigantism syndrome. Identifiers: Orphanet 116, MedGen C0004903, MONDO:0007534, OMIM 130650.
IMAGe syndrome. Also called: Intrauterine Growth Restriction, Metaphyseal Dysplasia, Adrenal Hypoplasia Congenita, and Genital Anomalies; Intrauterine growth retardation, metaphyseal dysplasia, adrenal hypoplasia congenita, and genital anomalies. Identifiers: Orphanet 85173, MedGen C1846009, MONDO:0013873, OMIM 614732.

Allele frequency attached by ClinVar (database versions not stated): ExAC below 0.00001; TOPMed 0.00003; gnomAD 0.00004 and 0.00005; gnomAD exomes 0.00004 and 0.00005; 1000 Genomes Project 30x 0.00016; 1000 Genomes Project 0.00020.

Submissions (5):

Labcorp Genetics (formerly Invitae), Labcorp
Classification: Uncertain significance for Beckwith-Wiedemann syndrome. Last evaluated: 2026-01-14. Review status: criteria provided, single submitter. Criteria: Invitae Variant Classification Sherloc (09022015). Collection method: clinical testing. Allele origin: germline.
Comment: This sequence change replaces leucine, which is neutral and non-polar, with proline, which is neutral and non-polar, at codon 6 of the CDKN1C protein (p.Leu6Pro). This variant is present in population databases (rs201715947, gnomAD 0.01%). This variant has not been reported in the literature in individuals affected with CDKN1C-related conditions. ClinVar contains an entry for this variant (Variation ID: 404250). An algorithm developed to predict the effect of missense changes on protein structure and function (PolyPhen-2) suggests that this variant is likely to be disruptive. In summary, the available evidence is currently insufficient to determine the role of this variant in disease. Therefore, it has been classified as a Variant of Uncertain Significance.

Fulgent Genetics
Classification: Uncertain significance for Beckwith-Wiedemann syndrome; IMAGe syndrome. Last evaluated: 2024-03-04. Review status: criteria provided, single submitter. Criteria: ACMG Guidelines, 2015. Collection method: clinical testing. Allele origin: germline.

Clinical Genomics Laboratory, Washington University in St. Louis
Classification: Uncertain significance for Beckwith-Wiedemann syndrome. Last evaluated: 2023-09-11. Review status: criteria provided, single submitter. Criteria: ACMG Guidelines, 2015. Collection method: clinical testing. Allele origin: germline.
Comment: The CDKN1C c.17T>C (p.Leu6Pro) variant was identified at near heterozygous allelic fraction. This variant has been observed as a germline variant inwoman with recurrent miscarriages (Suntharalingham JP et al., PMID: 31497289). It has been reported in the ClinVar database as a variant of uncertain significance by 3 submitters (ClinVar ID: 404250). This variant is only observed on 7/152164 alleles in the general population (gnomAD v.3.1.2), indicating it is not a common variant. Computational predictors are uncertain as to the impact of this variant on CDKN1C function. Based on available information, and based on ACMG/AMP guidelines for variant interpretation (Richards S et al., PMID: 25741868), the CDKN1C c.17T>C (p.Leu6Pro) variant is classified as a variant of uncertain significance (VUS).

Ambry Genetics
Classification: Uncertain significance for Inborn genetic diseases. Last evaluated: 2022-08-17. Review status: criteria provided, single submitter. Criteria: Ambry Variant Classification Scheme 2023. Collection method: clinical testing. Allele origin: germline.

Centre for Mendelian Genomics, University Medical Centre Ljubljana
Classification: Uncertain significance for Beckwith-Wiedemann syndrome. Last evaluated: 2019-05-14. Review status: criteria provided, single submitter. Criteria: ACMG Guidelines, 2015. Collection method: clinical testing. Allele origin: unknown. Affected: yes.
Comment: This variant was classified as: Uncertain significance. The available evidence favors the benign nature of this variant, however the evidence is insufficent to prove its benign nature. The following ACMG criteria were applied in classifying this variant: BP4.

NM_001122630.2(CDKN1C):c.-10-7T>C

Gene: CDKN1C (cyclin dependent kinase inhibitor 1C; minus strand). Cytogenetic location: 11p15.4.
Variant type: single nucleotide variant.
Coding change: c.-10-7T>C on transcript NM_001122630.2 (MANE Select); 7 bases into the intron before 10 bases upstream of the start codon, T replaced by C.
Molecular consequence: intron variant. On other transcripts: missense variant (2).
Genome position (GRCh38, 1-based): chr11:2,885,473, A>G on the plus strand (T>C on the coding strand, the complement: CDKN1C is on the minus strand). VCF-style: chr11-2885473-A-G. GRCh37 (hg19) VCF-style: chr11-2906703-A-G.
Other names: c.17T>C, p.Leu6Pro (NM_000076.2, NM_001362474.2, LRG_533t1); c.-10-7T>C (NM_001362475.2, NM_001122631.2); short protein forms L6P.
Identifiers: ClinVar variation 404250 (VCV000404250.15), dbSNP rs201715947, ClinGen allele CA5822252.